The following is an entry in ClinVar:

ClinVar aggregate classification (germline): Benign. Review status: criteria provided, multiple submitters, no conflicts (2 of 4 stars). 3 submissions from 3 submitters: Benign (2). 1 of the submissions does not count toward it. Last evaluated 2018-11-20.

Conditions:
PTPRS-related disorder. Also called: PTPRS-related condition.

Allele frequency attached by ClinVar (database versions not stated): gnomAD exomes 0.00020 and 0.00108; gnomAD 0.00033 and 0.00036; 1000 Genomes Project 30x 0.00047; TOPMed 0.00051; 1000 Genomes Project 0.00060; ExAC 0.00153.
gnomAD v4.1: 421 of 1,503,284 alleles (0.028%); highest among the groups gnomAD compares: East Asian, 0.49%; 3 homozygotes.

Submissions (3):

Labcorp Genetics (formerly Invitae), Labcorp
Classification: Benign. Last evaluated: 2018-11-20. Review status: criteria provided, single submitter. Criteria: Invitae Variant Classification Sherloc (09022015). Collection method: clinical testing. Allele origin: germline.

Breakthrough Genomics
Classification: Benign. Review status: criteria provided, single submitter. Criteria: ACMG Guidelines, 2015. Collection method: not provided. Allele origin: germline. Inheritance: Unknown mechanism. Affected: yes.

PreventionGenetics, part of Exact Sciences
Classification: Benign for PTPRS-related condition. Last evaluated: 2024-06-17. Review status: no assertion criteria provided. Collection method: clinical testing. Allele origin: germline. Not counted in ClinVar's aggregate classification.
Comment: This variant is classified as benign based on ACMG/AMP sequence variant interpretation guidelines (Richards et al. 2015 PMID: 25741868, with internal and published modifications).

NM_002850.4(PTPRS):c.2574C>T (p.Thr858=)

Gene: PTPRS (protein tyrosine phosphatase receptor type S; minus strand). Cytogenetic location: 19p13.3.
Variant type: single nucleotide variant.
Coding change: c.2574C>T on transcript NM_002850.4 (MANE Select); coding-DNA position 2574, C replaced by T.
Protein change: p.Thr858=; no amino-acid change (threonine 858 retained).
Molecular consequence: synonymous variant. On other transcripts: intron variant (2).
Genome position (GRCh38, 1-based): chr19:5,223,218, G>A on the plus strand (C>T on the coding strand, the complement: PTPRS is on the minus strand). VCF-style: chr19-5223218-G-A. GRCh37 (hg19) VCF-style: chr19-5223229-G-A.
Other names: c.2508C>T, p.Thr836= (NM_130854.3); c.1811-998C>T (NM_130853.3); c.1823-998C>T (NM_130855.3).
Identifiers: ClinVar variation 716897 (VCV000716897.6), dbSNP rs201795413, ClinGen allele CA9109905.
Genomic context (GRCh38, chr19:5,223,218, plus strand): 5'-CAGGGGCGTCGAGTCCTCACGGCCAAACTGCAGGCGGTAGCCCAGCACCTGGTCCTCCGC[G>A]GTGCCAGCCGGGGGCTCCCAGCGTGCCAGCAGGCTGCCCTCGGGGGTCTGCTGCACCGAC-3'
Protein context (NP_002841.3, residues 848-868): LLARWEPPAG[Thr858=]AEDQVLGYRL